The following is an entry in ClinVar:

NM_000051.4(ATM):c.4571_4572insAT (p.Ile1525fs)

Gene: ATM (ATM serine/threonine kinase; plus strand). Cytogenetic location: 11q22.3.
Variant type: Insertion.
Coding change: c.4571_4572insAT on transcript NM_000051.4 (MANE Select); coding-DNA positions 4571 to 4572, AT inserted.
Protein change: p.Ile1525fs; shifts the reading frame from isoleucine 1525.
Molecular consequence: frameshift variant.
Genome position: GRCh38 VCF-style: chr11-108292752-C-CTA. GRCh37 (hg19) VCF-style: chr11-108163479-C-CTA.
Other names: c.4571_4572insAT, p.Ile1525fs (NM_001351834.2); short protein forms I1525fs.
Identifiers: ClinVar variation 3450548 (VCV003450548.1).

ClinVar aggregate classification (germline): Pathogenic (1 of 4 stars; one submission).

Conditions:
Hereditary cancer-predisposing syndrome. Also called: Tumor predisposition; Neoplastic Syndromes, Hereditary; Hereditary neoplastic syndrome; Hereditary Cancer Syndrome. Identifiers: Orphanet 140162, MedGen C0027672, MeSH D009386, MONDO:0015356.

Submission:

Ambry Genetics
Classification: Pathogenic for Hereditary cancer-predisposing syndrome. Last evaluated: 2024-08-07. Review status: criteria provided, single submitter. Criteria: Ambry Variant Classification Scheme 2023. Collection method: clinical testing. Allele origin: germline.
Comment: The c.4571_4572insAT pathogenic mutation, located in coding exon 29 of the ATM gene, results from an insertion of two nucleotides at position 4571, causing a translational frameshift with a predicted alternate stop codon (p.I1525Lfs*19). This variant is considered to be rare based on population cohorts in the Genome Aggregation Database (gnomAD). This alteration is expected to result in loss of function by premature protein truncation or nonsense-mediated mRNA decay. As such, this alteration is interpreted as a disease-causing mutation.